The following is an entry in ClinVar:

ClinVar aggregate classification (germline): Uncertain significance (1 of 4 stars; one submission).

Conditions:
Long QT syndrome (LQTS). Identifiers: MedGen C0023976, MeSH D008133, MONDO:0002442. Disease mechanism: loss of function. Inheritance: Various modes of inheritance.

Allele frequency attached by ClinVar (database versions not stated): TOPMed below 0.00001; gnomAD exomes 0.00001.
gnomAD v4.1: 8 of 1,613,686 alleles (0.0005%); highest among the groups gnomAD compares: Non-Finnish European, 0.00068%; no homozygotes.

Submission:

Labcorp Genetics (formerly Invitae), Labcorp
Classification: Uncertain significance for Long QT syndrome. Last evaluated: 2019-05-10. Review status: criteria provided, single submitter. Criteria: Invitae Variant Classification Sherloc (09022015). Collection method: clinical testing. Allele origin: germline.
Comment: In summary, the available evidence is currently insufficient to determine the role of this variant in disease. Therefore, it has been classified as a Variant of Uncertain Significance. Algorithms developed to predict the effect of missense changes on protein structure and function (SIFT, PolyPhen-2, Align-GVGD) all suggest that this variant is likely to be tolerated, but these predictions have not been confirmed by published functional studies and their clinical significance is uncertain. This variant has not been reported in the literature in individuals with CACNA1C-related conditions. This variant is not present in population databases (ExAC no frequency). This sequence change replaces glycine with glutamic acid at codon 1912 of the CACNA1C protein (p.Gly1912Glu). The glycine residue is weakly conserved and there is a moderate physicochemical difference between glycine and glutamic acid.

NM_000719.7(CACNA1C):c.5735G>A (p.Gly1912Glu)

Genes: CACNA1C (calcium voltage-gated channel subunit alpha1 C; plus strand), CACNA1C-AS1 (CACNA1C antisense RNA 1; minus strand). Cytogenetic location: 12p13.33.
Variant type: single nucleotide variant.
Coding change: c.5735G>A on transcript NM_000719.7 (MANE Select); coding-DNA position 5735, G replaced by A.
Protein change: p.Gly1912Glu; replaces glycine 1912 with glutamic acid.
Molecular consequence: missense variant.
Genome position (GRCh38, 1-based): chr12:2,686,220, G>A. VCF-style: chr12-2686220-G-A. GRCh37 (hg19) VCF-style: chr12-2795386-G-A.
Other names: c.5879G>A, p.Gly1960Glu (NM_001129827.2); c.5858G>A, p.Gly1953Glu (NM_001129829.2); c.5840G>A, p.Gly1947Glu (NM_001129830.3, NM_001167624.3); c.5819G>A, p.Gly1940Glu (NM_001129831.2); c.5795G>A, p.Gly1932Glu (NM_001129832.2); c.5792G>A, p.Gly1931Glu (NM_001129833.2, NM_001129834.2, NM_001129835.2); c.5786G>A, p.Gly1929Glu (NM_001129836.2); c.5759G>A, p.Gly1920Glu (NM_001129837.2, NM_001129838.2); and 6 more; short protein forms G1920E, G1953E, G1901E, G1932E, G1947E, G1995E, G1918E, G1940E.
Identifiers: ClinVar variation 944604 (VCV000944604.10), dbSNP rs2097476034, ClinGen allele CA383382658.